The following is an entry in ClinVar:

ClinVar aggregate classification (germline): Uncertain significance (1 of 4 stars; one submission).

Allele frequency attached by ClinVar (database versions not stated): TOPMed below 0.00001; gnomAD 0.00001; gnomAD exomes 0.00001.
gnomAD v4.1: 8 of 1,610,566 alleles (0.0005%); highest among the groups gnomAD compares: Non-Finnish European, 0.00068%; no homozygotes.

Submission:

Labcorp Genetics (formerly Invitae), Labcorp
Classification: Uncertain significance. Last evaluated: 2021-12-07. Review status: criteria provided, single submitter. Criteria: Invitae Variant Classification Sherloc (09022015). Collection method: clinical testing. Allele origin: germline.
Comment: In summary, the available evidence is currently insufficient to determine the role of this variant in disease. Therefore, it has been classified as a Variant of Uncertain Significance. Algorithms developed to predict the effect of missense changes on protein structure and function (SIFT, PolyPhen-2, Align-GVGD) all suggest that this variant is likely to be disruptive. This variant has not been reported in the literature in individuals affected with CFAP410-related conditions. This variant is present in population databases (no rsID available, gnomAD 0.0009%). This sequence change replaces leucine, which is neutral and non-polar, with proline, which is neutral and non-polar, at codon 135 of the CFAP410 protein (p.Leu135Pro).

NM_004928.3(CFAP410):c.404T>C (p.Leu135Pro)

Gene: CFAP410 (cilia and flagella associated protein 410; minus strand). Cytogenetic location: 21q22.3.
Variant type: single nucleotide variant.
Coding change: c.404T>C on transcript NM_004928.3 (MANE Select); coding-DNA position 404, T replaced by C.
Protein change: p.Leu135Pro; replaces leucine 135 with proline.
Molecular consequence: missense variant.
Genome position (GRCh38, 1-based): chr21:44,331,984, A>G on the plus strand (T>C on the coding strand, the complement: CFAP410 is on the minus strand). VCF-style: chr21-44331984-A-G. GRCh37 (hg19) VCF-style: chr21-45751867-A-G.
Other names: c.404T>C, p.Leu135Pro (NM_001271440.2, NM_001271441.2); c.281T>C, p.Leu94Pro (NM_001271442.1); short protein forms L94P, L135P.
Identifiers: ClinVar variation 1946540 (VCV001946540.5), dbSNP rs1402134765, ClinGen allele CA410454752.